The following is an entry in ClinVar:

ClinVar aggregate classification (germline): Benign/Likely benign. Review status: criteria provided, multiple submitters, no conflicts (2 of 4 stars). 2 submissions from 2 submitters: Benign (1); Likely benign (1). Last evaluated 2026-02-03.

Conditions:
FG syndrome (FGS). Identifiers: MedGen C0220769, MONDO:0002010.

Allele frequency attached by ClinVar (database versions not stated): gnomAD exomes 0.00001 and 0.00002; TOPMed 0.00001; ExAC 0.00001.
gnomAD v4.1: 10 of 1,210,815 alleles (0.00083%); highest among the groups gnomAD compares: South Asian, 0.018%; no homozygotes.

Submissions (2):

Labcorp Genetics (formerly Invitae), Labcorp
Classification: Benign for FG syndrome. Last evaluated: 2026-02-03. Review status: criteria provided, single submitter. Criteria: Invitae Variant Classification Sherloc (09022015). Collection method: clinical testing. Allele origin: germline.

GeneDx
Classification: Likely benign. Last evaluated: 2018-04-02. Review status: criteria provided, single submitter. Criteria: GeneDx Variant Classification (06012015). Collection method: clinical testing. Allele origin: germline. Affected: yes.
Comment: This variant is considered likely benign or benign based on one or more of the following criteria: it is a conservative change, it occurs at a poorly conserved position in the protein, it is predicted to be benign by multiple in silico algorithms, and/or has population frequency not consistent with disease.

NM_005120.3(MED12):c.3355-16C>G

Gene: MED12 (mediator complex subunit 12; plus strand). Cytogenetic location: Xq13.1.
Variant type: single nucleotide variant.
Coding change: c.3355-16C>G on transcript NM_005120.3 (MANE Select); 16 bases into the intron before coding-DNA position 3355, C replaced by G.
Molecular consequence: intron variant.
Genome position (GRCh38, 1-based): chrX:71,128,582, C>G. VCF-style: chrX-71128582-C-G. GRCh37 (hg19) VCF-style: chrX-70348432-C-G.
Identifiers: ClinVar variation 680880 (VCV000680880.4), dbSNP rs201933970, ClinGen allele CA10444486.
Genomic context (GRCh38, chrX:71,128,582, plus strand): 5'-TTCCGTAGAGTGGAGGCACACCGCTTTGAGTGGGCCTCCACACTGAGTCATGGTGTCTGT[C>G]TGTTTTTTCCTCCAGGTCAGTGACCTATCTTTTCATGACTCGCTGGCTACTTTTGTTGCC-3'